The following is an entry in ClinVar:

NM_004655.4(AXIN2):c.162C>T (p.Asn54=)

Gene: AXIN2 (axin 2; minus strand). Cytogenetic location: 17q24.1.
Variant type: single nucleotide variant.
Coding change: c.162C>T on transcript NM_004655.4 (MANE Select); coding-DNA position 162, C replaced by T.
Protein change: p.Asn54=; no amino-acid change (asparagine 54 retained).
Molecular consequence: synonymous variant.
Genome position (GRCh38, 1-based): chr17:65,558,459, G>A on the plus strand (C>T on the coding strand, the complement: AXIN2 is on the minus strand). VCF-style: chr17-65558459-G-A. GRCh37 (hg19) VCF-style: chr17-63554577-G-A.
Other names: c.162C>T, p.Asn54= (NM_001363813.1).
Identifiers: ClinVar variation 1555042 (VCV001555042.12), dbSNP rs1427989179, ClinGen allele CA501691519.

ClinVar aggregate classification (germline): Benign/Likely benign. Review status: criteria provided, multiple submitters, no conflicts (2 of 4 stars). 4 submissions from 4 submitters: Benign (1); Likely benign (3). Last evaluated 2025-08-20.

Conditions:
Hereditary cancer-predisposing syndrome. Also called: Neoplastic Syndromes, Hereditary; Hereditary Cancer Syndrome; Tumor predisposition; Hereditary neoplastic syndrome. Identifiers: Orphanet 140162, MedGen C0027672, MeSH D009386, MONDO:0015356.
Oligodontia-cancer predisposition syndrome. Also called: TOOTH AGENESIS-COLORECTAL CANCER SYNDROME. Identifiers: Orphanet 300576, MedGen C1837750, MONDO:0012075, OMIM 608615. Disease mechanism: loss of function.

gnomAD v4.1: 1 of 1,603,452 alleles (0.000062%); highest among the groups gnomAD compares: South Asian, 0.0011%; no homozygotes.

Submissions (4):

Labcorp Genetics (formerly Invitae), Labcorp
Classification: Likely benign for Oligodontia-cancer predisposition syndrome. Last evaluated: 2025-08-20. Review status: criteria provided, single submitter. Criteria: Invitae Variant Classification Sherloc (09022015). Collection method: clinical testing. Allele origin: germline.

Myriad Genetics, Inc.
Classification: Benign for Oligodontia-cancer predisposition syndrome. Last evaluated: 2024-06-25. Review status: criteria provided, single submitter. Criteria: Myriad Autosomal Dominant, Autosomal Recessive and X-Linked Classification Criteria (2023). Collection method: clinical testing. Allele origin: unknown.
Comment: This variant is considered benign. This variant is a silent/synonymous amino acid change and it is not expected to impact splicing.

Sema4
Classification: Likely benign for Hereditary cancer-predisposing syndrome. Last evaluated: 2021-08-19. Review status: criteria provided, single submitter. Criteria: Sema4 Curation Guidelines. Collection method: curation. Allele origin: germline.

Ambry Genetics
Classification: Likely benign for Hereditary cancer-predisposing syndrome. Last evaluated: 2020-07-22. Review status: criteria provided, single submitter. Criteria: Ambry Variant Classification Scheme 2023. Collection method: clinical testing. Allele origin: germline.